The following is an entry in ClinVar:

ClinVar aggregate classification (germline): Likely benign. Review status: criteria provided, multiple submitters, no conflicts (2 of 4 stars). 4 submissions from 4 submitters: Likely benign (4). Last evaluated 2025-12-27.

Conditions:
Dilated cardiomyopathy 1O (CMD1O). Also called: CARDIOMYOPATHY, DILATED, WITH VENTRICULAR TACHYCARDIA. Identifiers: Orphanet 154, MedGen C1837839, MONDO:0012062, OMIM 608569.

Allele frequency attached by ClinVar (database versions not stated): gnomAD 0.00004 and 0.00005; TOPMed 0.00007; gnomAD exomes 0.00010 and 0.00013; ExAC 0.00013; ESP Exome Variant Server 0.00015; 1000 Genomes Project 0.00040; 1000 Genomes Project 30x 0.00047.
gnomAD v4.1: 155 of 1,611,040 alleles (0.0096%); highest among the groups gnomAD compares: Middle Eastern, 0.017%; no homozygotes.

Submissions (4):

Labcorp Genetics (formerly Invitae), Labcorp
Classification: Likely benign for Dilated cardiomyopathy 1O. Last evaluated: 2025-12-27. Review status: criteria provided, single submitter. Criteria: Invitae Variant Classification Sherloc (09022015). Collection method: clinical testing. Allele origin: germline.

Blueprint Genetics
Classification: Likely benign. Last evaluated: 2024-07-24. Review status: criteria provided, single submitter. Criteria: ACMG Guidelines, 2015. Collection method: clinical testing. Allele origin: germline.

GeneDx
Classification: Likely benign. Last evaluated: 2016-01-19. Review status: criteria provided, single submitter. Criteria: GeneDx Variant Classification (06012015). Collection method: clinical testing. Allele origin: germline. Affected: yes.
Comment: This variant is considered likely benign or benign based on one or more of the following criteria: it is a conservative change, it occurs at a poorly conserved position in the protein, it is predicted to be benign by multiple in silico algorithms, and/or has population frequency not consistent with disease.

Laboratory for Molecular Medicine, Mass General Brigham Personalized Medicine
Classification: Likely benign. Last evaluated: 2012-03-19. Review status: criteria provided, single submitter. Criteria: LMM Criteria. Collection method: clinical testing. Allele origin: germline. Observed: 1 variant allele.
Comment: 816+11G>A in intron 5 of ABCC9: This variant is not expected to have clinical si gnificance because it is not located within the splice consensus sequence. It ha s been identified in 1/3738 African American chromosomes from a broad population by the NHLBI Exome Sequencing Project. 816 +11G>A in intron 5 of ABCC9 (allele frequency = N/A) **

NM_020297.4(ABCC9):c.816+11G>A

Gene: ABCC9 (ATP binding cassette subfamily C member 9; minus strand). Cytogenetic location: 12p12.1.
Variant type: single nucleotide variant.
Coding change: c.816+11G>A on transcript NM_020297.4 (MANE Select); 11 bases into the intron after coding-DNA position 816, G replaced by A.
Molecular consequence: intron variant.
Genome position (GRCh38, 1-based): chr12:21,915,657, C>T on the plus strand (G>A on the coding strand, the complement: ABCC9 is on the minus strand). VCF-style: chr12-21915657-C-T. GRCh37 (hg19) VCF-style: chr12-22068591-C-T.
Other names: c.-48-2591G>A (NM_001377274.1); c.816+11G>A (NM_005691.4, NM_001377273.1).
Identifiers: ClinVar variation 45421 (VCV000045421.14), dbSNP rs200986421, ClinGen allele CA136311.